The following is an entry in ClinVar:

ClinVar aggregate classification (germline): Uncertain significance. Review status: criteria provided, multiple submitters, no conflicts (2 of 4 stars). 3 submissions from 3 submitters: Uncertain significance (3). Last evaluated 2025-10-17.

Conditions:
ATP6V0A2-related disorder. Also called: ATP6V0A2-related condition.
Inborn genetic diseases. Identifiers: MedGen C0950123, MeSH D030342.

gnomAD v4.1: 12 of 1,614,062 alleles (0.00074%); highest among the groups gnomAD compares: South Asian, 0.0044%; 1 homozygote.

Submissions (3):

Ambry Genetics
Classification: Uncertain significance for Inborn genetic diseases. Last evaluated: 2025-10-17. Review status: criteria provided, single submitter. Criteria: Ambry Variant Classification Scheme 2023. Collection method: clinical testing. Allele origin: germline.

PreventionGenetics, part of Exact Sciences
Classification: Uncertain significance for ATP6V0A2-related condition. Last evaluated: 2024-12-18. Review status: criteria provided, single submitter. Criteria: ACMG Guidelines, 2015. Collection method: clinical testing. Allele origin: germline.
Comment: The ATP6V0A2 c.1453G>A variant is predicted to result in the amino acid substitution p.Val485Met. To our knowledge, this variant has not been reported in the literature. This variant is reported in 0.00088% of alleles in individuals of European (Non-Finnish) descent in gnomAD. At this time, the clinical significance of this variant is uncertain due to the absence of conclusive functional and genetic evidence.

GeneDx
Classification: Uncertain significance. Last evaluated: 2024-04-17. Review status: criteria provided, single submitter. Criteria: GeneDx Variant Classification Process June 2021. Collection method: clinical testing. Allele origin: germline. Affected: yes.
Comment: Not observed at significant frequency in large population cohorts (gnomAD); In silico analysis indicates that this missense variant does not alter protein structure/function; Has not been previously published as pathogenic or benign to our knowledge

NM_012463.4(ATP6V0A2):c.1453G>A (p.Val485Met)

Gene: ATP6V0A2 (ATPase H+ transporting V0 subunit a2; plus strand). Cytogenetic location: 12q24.31.
Variant type: single nucleotide variant.
Coding change: c.1453G>A on transcript NM_012463.4 (MANE Select); coding-DNA position 1453, G replaced by A.
Protein change: p.Val485Met; replaces valine 485 with methionine.
Molecular consequence: missense variant.
Genome position (GRCh38, 1-based): chr12:123,744,723, G>A. VCF-style: chr12-123744723-G-A. GRCh37 (hg19) VCF-style: chr12-124229270-G-A.
Other names: short protein forms V485M.
Identifiers: ClinVar variation 3372702 (VCV003372702.3).